The following is an entry in ClinVar:

NM_002474.3(MYH11):c.2863C>G (p.Leu955Val)

Gene: MYH11 (myosin heavy chain 11; minus strand). Cytogenetic location: 16p13.11.
Variant type: single nucleotide variant.
Coding change: c.2863C>G on transcript NM_002474.3 (MANE Select); coding-DNA position 2863, C replaced by G.
Protein change: p.Leu955Val; replaces leucine 955 with valine.
Molecular consequence: missense variant.
Genome position (GRCh38, 1-based): chr16:15,740,185, G>C on the plus strand (C>G on the coding strand, the complement: MYH11 is on the minus strand). VCF-style: chr16-15740185-G-C. GRCh37 (hg19) VCF-style: chr16-15834042-G-C.
Other names: c.2884C>G, p.Leu962Val (NM_001040113.2, NM_001040114.2); c.2863C>G, p.Leu955Val (NM_022844.3); short protein forms L955V, L962V.
Identifiers: ClinVar variation 836595 (VCV000836595.19), dbSNP rs145121051, ClinGen allele CA278625921.
Genomic context (GRCh38, chr16:15,740,185, plus strand): 5'-TGACCTTCTCAAGTTGCAGCTTCTGCCTGGCAGCTTCCTCCTCCTCCAGCTGTTCTTCAA[G>C]GTCCTTTGTTGTGGAGGGAAAAGAGTAACAGCTTTGGTTATAACAGATTTACTCTCGTGG-3'
Protein context (NP_002465.1, residues 945-965): RKKMAQQMLD[Leu955Val]EEQLEEEEAA

ClinVar aggregate classification (germline): Uncertain significance. Review status: criteria provided, multiple submitters, no conflicts (2 of 4 stars). 4 submissions from 4 submitters: Uncertain significance (4). Last evaluated 2025-04-30.

Conditions:
Familial thoracic aortic aneurysm and aortic dissection (TAAD). Also called: Thoracic aortic aneurysms and dissections. Identifiers: Orphanet 91387, MedGen C4707243, MONDO:0019625.
Aortic aneurysm, familial thoracic 4 (AAT4). Also called: AORTIC ANEURYSM/AORTIC DISSECTION AND PATENT DUCTUS ARTERIOSUS. Identifiers: MedGen C1851504, MONDO:0007568, OMIM 132900.
Visceral myopathy 2. Identifiers: MedGen C5543466, MONDO:0859157, OMIM 619350.
Megacystis-microcolon-intestinal hypoperistalsis syndrome 2. Identifiers: MedGen C5543476, MONDO:0025708, OMIM 619351.

Allele frequency attached by ClinVar (database versions not stated): TOPMed below 0.00001; gnomAD 0.00001; gnomAD exomes 0.00001; ESP Exome Variant Server 0.00008.
gnomAD v4.1: 18 of 1,614,056 alleles (0.0011%); highest among the groups gnomAD compares: Non-Finnish European, 0.0015%; no homozygotes.

Submissions (4):

Labcorp Genetics (formerly Invitae), Labcorp
Classification: Uncertain significance for Aortic aneurysm, familial thoracic 4. Last evaluated: 2025-04-30. Review status: criteria provided, single submitter. Criteria: Invitae Variant Classification Sherloc (09022015). Collection method: clinical testing. Allele origin: germline.
Comment: This sequence change replaces leucine, which is neutral and non-polar, with valine, which is neutral and non-polar, at codon 962 of the MYH11 protein (p.Leu962Val). This variant is present in population databases (rs145121051, gnomAD 0.002%). This variant has not been reported in the literature in individuals affected with MYH11-related conditions. ClinVar contains an entry for this variant (Variation ID: 836595). Invitae Evidence Modeling of protein sequence and biophysical properties (such as structural, functional, and spatial information, amino acid conservation, physicochemical variation, residue mobility, and thermodynamic stability) indicates that this missense variant is not expected to disrupt MYH11 protein function with a negative predictive value of 95%. In summary, the available evidence is currently insufficient to determine the role of this variant in disease. Therefore, it has been classified as a Variant of Uncertain Significance.

Color Diagnostics, LLC DBA Color Health
Classification: Uncertain significance for Familial thoracic aortic aneurysm and aortic dissection. Last evaluated: 2024-03-06. Review status: criteria provided, single submitter. Criteria: ACMG Guidelines, 2015. Collection method: clinical testing. Allele origin: germline.
Comment: This missense variant replaces leucine with valine at codon 962 of the MYH11 protein. Computational prediction suggests that this variant may have deleterious impact on protein structure and function (internally defined REVEL score threshold >= 0.7, PMID: 27666373). To our knowledge, functional studies have not been reported for this variant. This variant has not been reported in individuals affected with cardiovascular disorders in the literature. This variant has been identified in 3/251490 chromosomes in the general population by the Genome Aggregation Database (gnomAD). The available evidence is insufficient to determine the role of this variant in disease conclusively. Therefore, this variant is classified as a Variant of Uncertain Significance.

Fulgent Genetics
Classification: Uncertain significance for Aortic aneurysm, familial thoracic 4; Visceral myopathy 2; Megacystis-microcolon-intestinal hypoperistalsis syndrome 2. Last evaluated: 2021-08-26. Review status: criteria provided, single submitter. Criteria: ACMG Guidelines, 2015. Collection method: clinical testing. Allele origin: unknown.

Ambry Genetics
Classification: Uncertain significance for Familial thoracic aortic aneurysm and aortic dissection. Last evaluated: 2018-11-26. Review status: criteria provided, single submitter. Criteria: Ambry Variant Classification Scheme 2023. Collection method: clinical testing. Allele origin: germline.
Comment: The p.L955V variant (also known as c.2863C>G), located in coding exon 22 of the MYH11 gene, results from a C to G substitution at nucleotide position 2863. The leucine at codon 955 is replaced by valine, an amino acid with highly similar properties. This amino acid position is highly conserved in available vertebrate species. In addition, the in silico prediction for this alteration is inconclusive. Since supporting evidence is limited at this time, the clinical significance of this alteration remains unclear.